The following is an entry in ClinVar:

NM_138576.4(BCL11B):c.1190C>T (p.Pro397Leu)

Gene: BCL11B (BCL11 transcription factor B; minus strand). Cytogenetic location: 14q32.2.
Variant type: single nucleotide variant.
Coding change: c.1190C>T on transcript NM_138576.4 (MANE Select); coding-DNA position 1190, C replaced by T.
Protein change: p.Pro397Leu; replaces proline 397 with leucine.
Molecular consequence: missense variant.
Genome position (GRCh38, 1-based): chr14:99,175,646, G>A on the plus strand (C>T on the coding strand, the complement: BCL11B is on the minus strand). VCF-style: chr14-99175646-G-A. GRCh37 (hg19) VCF-style: chr14-99641983-G-A.
Other names: c.1187C>T, p.Pro396Leu (NM_001282237.2); c.974C>T, p.Pro325Leu (NM_001282238.2); c.977C>T, p.Pro326Leu (NM_022898.3); short protein forms P325L, P326L, P396L, P397L.
Identifiers: ClinVar variation 3375145 (VCV003375145.2).

ClinVar aggregate classification (germline): Uncertain significance. Review status: criteria provided, multiple submitters, no conflicts (2 of 4 stars). 2 submissions from 2 submitters: Uncertain significance (2). Last evaluated 2025-03-31.

gnomAD v4.1: 2 of 1,561,006 alleles (0.00013%); highest among the groups gnomAD compares: Non-Finnish European, 0.00017%; no homozygotes.

Submissions (2):

Labcorp Genetics (formerly Invitae), Labcorp
Classification: Uncertain significance. Last evaluated: 2025-03-31. Review status: criteria provided, single submitter. Criteria: Invitae Variant Classification Sherloc (09022015). Collection method: clinical testing. Allele origin: germline.
Comment: This sequence change replaces proline, which is neutral and non-polar, with leucine, which is neutral and non-polar, at codon 397 of the BCL11B protein (p.Pro397Leu). The frequency data for this variant in the population databases is considered unreliable, as metrics indicate poor data quality at this position in the gnomAD database. This variant has not been reported in the literature in individuals affected with BCL11B-related conditions. ClinVar contains an entry for this variant (Variation ID: 3375145). Invitae Evidence Modeling of protein sequence and biophysical properties (such as structural, functional, and spatial information, amino acid conservation, physicochemical variation, residue mobility, and thermodynamic stability) indicates that this missense variant is not expected to disrupt BCL11B protein function with a negative predictive value of 95%. In summary, the available evidence is currently insufficient to determine the role of this variant in disease. Therefore, it has been classified as a Variant of Uncertain Significance.

Women's Health and Genetics/Laboratory Corporation of America, LabCorp
Classification: Uncertain significance. Last evaluated: 2024-09-27. Review status: criteria provided, single submitter. Criteria: LabCorp Variant Classification Summary - May 2015. Collection method: clinical testing. Allele origin: germline.
Comment: Variant summary: BCL11B c.1190C>T (p.Pro397Leu) results in a non-conservative amino acid change in the encoded protein sequence. Three of five in-silico tools predict a benign effect of the variant on protein function. The frequency data for this variant in gnomAD is considered unreliable, as metrics indicate poor data quality at this position. To our knowledge, no occurrence of c.1190C>T in individuals affected with BCL11B-Related Disorders and no experimental evidence demonstrating its impact on protein function have been reported. No submitters have cited clinical-significance assessments for this variant to ClinVar. Based on the evidence outlined above, the variant was classified as uncertain significance.